The following is an entry in ClinVar:

NM_001267550.2(TTN):c.99081dup (p.Lys33028Ter)

Genes: TTN (titin; minus strand), TTN-AS1 (TTN antisense RNA 1; plus strand). Cytogenetic location: 2q31.2.
Variant type: Duplication.
Coding change: c.99081dup on transcript NM_001267550.2 (MANE Select); coding-DNA position 99081, one base duplicated (T; older notation c.99081dupT).
Protein change: p.Lys33028Ter; replaces lysine 33028 with a stop codon.
Molecular consequence: nonsense. On other transcripts: non-coding transcript variant (1).
Genome position (GRCh38, 1-based): chr2:178,538,748, A duplicated on the plus strand (T on the coding strand, the reverse complement: TTN is on the minus strand). VCF-style (leftmost placement, unchanged base first): chr2-178538747-T-TA. GRCh37 (hg19) VCF-style: chr2-179403474-T-TA.
Other names: c.94158dup, p.Lys31387Ter (NM_001256850.1); c.71886dup, p.Lys23963Ter (NM_003319.4); c.91377dup, p.Lys30460Ter (NM_133378.4); c.72261dup, p.Lys24088Ter (NM_133432.3); c.72462dup, p.Lys24155Ter (NM_133437.4); c.71886dupT (NM_003319.4); short protein forms K23963*, K31387*, K24088*, K33028*, K24155*, K30460*.
Identifiers: ClinVar variation 2566371 (VCV002566371.2), dbSNP rs2468735181, ClinGen allele CA2580614460.

ClinVar aggregate classification (germline): Likely pathogenic (1 of 4 stars; one submission).

Conditions:
Cardiovascular phenotype. Identifiers: MedGen CN230736.

Submission:

Ambry Genetics
Classification: Likely pathogenic for Cardiovascular phenotype. Last evaluated: 2023-04-06. Review status: criteria provided, single submitter. Criteria: Ambry Variant Classification Scheme 2023. Collection method: clinical testing. Allele origin: germline.
Comment: The c.71886dupT variant, located in coding exon 181 of the TTN gene, results from a duplication of T at nucleotide position 71886, causing a translational frameshift with a predicted alternate stop codon (p.K23963*). This exon is located in the A-band region of the N2-B isoform of the titin protein and is constitutively expressed in TTN transcripts (percent spliced in or PSI 100%). This variant is considered to be rare based on population cohorts in the Genome Aggregation Database (gnomAD). This alteration is expected to result in loss of function by premature protein truncation or nonsense-mediated mRNA decay. While truncating variants in TTN are present in 1-3% of the general population, truncating variants in the A-band are the most common cause of dilated cardiomyopathy (DCM) (Herman DS et al. N. Engl. J. Med., 2012 Feb;366:619-28; Roberts AM et al. Sci Transl Med, 2015 Jan;7:270ra6). TTN truncating variants encoded in constitutive exons (PSI >90%) have been found to be significantly associated with DCM regardless of their position in titin (Schafer S et al. Nat. Genet., 2017 01;49:46-53). Based on the majority of available evidence to date, this variant is likely to be pathogenic.